The following is an entry in ClinVar:

NM_001003800.2(BICD2):c.2170G>A (p.Glu724Lys)

Gene: BICD2 (BICD cargo adaptor 2; minus strand). Cytogenetic location: 9q22.31.
Variant type: single nucleotide variant.
Coding change: c.2170G>A on transcript NM_001003800.2 (MANE Select); coding-DNA position 2170, G replaced by A.
Protein change: p.Glu724Lys; replaces glutamic acid 724 with lysine.
Molecular consequence: missense variant.
Genome position (GRCh38, 1-based): chr9:92,717,885, C>T on the plus strand (G>A on the coding strand, the complement: BICD2 is on the minus strand). VCF-style: chr9-92717885-C-T. GRCh37 (hg19) VCF-style: chr9-95480167-C-T.
Other names: c.2170G>A, p.Glu724Lys (NM_015250.4); short protein forms E724K.
Identifiers: ClinVar variation 2893225 (VCV002893225.3), dbSNP rs776152202, ClinGen allele CA5126379.
Genomic context (GRCh38, chr9:92,717,885, plus strand): 5'-AGAAGGTGGCTGCGTCCTCCTTGAGGGCCTTGAGCTCATTGCGCAGCTTCATCATGGTCT[C>T]GGTAACCATGGCCTTCTCATTCTCATACTTGCTCTTCAGGTTGGCAAGGGCCACCTCGGC-3'
Protein context (NP_001003800.1, residues 714-734): KYENEKAMVT[Glu724Lys]TMMKLRNELK

ClinVar aggregate classification (germline): Uncertain significance (1 of 4 stars; one submission).

Conditions:
Autosomal dominant childhood-onset proximal spinal muscular atrophy with contractures (SMALED2A). Also called: Spinal muscular atrophy, lower extremity-predominant, 2A, autosomal dominant; SPINAL MUSCULAR ATROPHY, LOWER EXTREMITY-PREDOMINANT, 2A, CHILDHOOD ONSET, AUTOSOMAL DOMINANT. Identifiers: Orphanet 363447, Orphanet 363454, MedGen C4747715, MONDO:0014121, OMIM 615290.

Allele frequency attached by ClinVar (database versions not stated): TOPMed below 0.00001.
gnomAD v4.1: 3 of 1,613,508 alleles (0.00019%); highest among the groups gnomAD compares: Admixed American, 0.0033%; no homozygotes.

Submission:

Labcorp Genetics (formerly Invitae), Labcorp
Classification: Uncertain significance for Autosomal dominant childhood-onset proximal spinal muscular atrophy with contractures. Last evaluated: 2024-04-17. Review status: criteria provided, single submitter. Criteria: Invitae Variant Classification Sherloc (09022015). Collection method: clinical testing. Allele origin: germline.
Comment: This sequence change replaces glutamic acid, which is acidic and polar, with lysine, which is basic and polar, at codon 724 of the BICD2 protein (p.Glu724Lys). This variant is present in population databases (rs776152202, gnomAD 0.006%). This variant has not been reported in the literature in individuals affected with BICD2-related conditions. Advanced modeling of protein sequence and biophysical properties (such as structural, functional, and spatial information, amino acid conservation, physicochemical variation, residue mobility, and thermodynamic stability) performed at Invitae indicates that this missense variant is expected to disrupt BICD2 protein function with a positive predictive value of 80%. In summary, the available evidence is currently insufficient to determine the role of this variant in disease. Therefore, it has been classified as a Variant of Uncertain Significance.